The following is an entry in ClinVar:

NM_019066.5(MAGEL2):c.244C>T (p.Pro82Ser)

Gene: MAGEL2 (MAGE family member L2; minus strand). Cytogenetic location: 15q11.2.
Variant type: single nucleotide variant.
Coding change: c.244C>T on transcript NM_019066.5 (MANE Select); coding-DNA position 244, C replaced by T.
Protein change: p.Pro82Ser; replaces proline 82 with serine.
Molecular consequence: missense variant.
Genome position (GRCh38, 1-based): chr15:23,647,499, G>A on the plus strand (C>T on the coding strand, the complement: MAGEL2 is on the minus strand). VCF-style: chr15-23647499-G-A. GRCh37 (hg19) VCF-style: chr15-23892646-G-A.
Other names: short protein forms P82S.
Identifiers: ClinVar variation 2100214 (VCV002100214.6), dbSNP rs1359052579, ClinGen allele CA391337606.

ClinVar aggregate classification (germline): Uncertain significance. Review status: criteria provided, multiple submitters, no conflicts (2 of 4 stars). 2 submissions from 2 submitters: Uncertain significance (2). Last evaluated 2024-11-18.

Conditions:
Schaaf-Yang syndrome (SHFYNG). Also called: MAGEL2-related Prader-Willi-like syndrome; Arthrogryposis, distal, with hypopituitarism, intellectual disability, and facial anomalies. Identifiers: Orphanet 398069, MedGen C5575066, MONDO:0014243, OMIM 615547.

Submissions (2):

Servicio de Genética Del Instituto Nacional de Salud Del Niño, Ministerio de Salud
Classification: Uncertain significance for Schaaf-Yang syndrome. Last evaluated: 2024-11-18. Review status: criteria provided, single submitter. Criteria: ACMG Guidelines, 2015. Collection method: clinical testing. Allele origin: germline. Inheritance: Autosomal dominant inheritance.
Comment: The variant NM_019066.5:c.244C>T results in the substitution of proline with serine at position 82 (p.Pro82Ser). Proline is a structurally important amino acid, and its substitution with serine could potentially impact the protein's structure or function. However, there is insufficient evidence to definitively establish its pathogenicity. Based on PM2 (evidence of a variant being absent or rare in the general population), this variant is classified as uncertain significance

Labcorp Genetics (formerly Invitae), Labcorp
Classification: Uncertain significance. Last evaluated: 2022-07-23. Review status: criteria provided, single submitter. Criteria: Invitae Variant Classification Sherloc (09022015). Collection method: clinical testing. Allele origin: germline.
Comment: This sequence change replaces proline, which is neutral and non-polar, with serine, which is neutral and polar, at codon 82 of the MAGEL2 protein (p.Pro82Ser). This variant is present in population databases (no rsID available, gnomAD 0.004%). This variant has not been reported in the literature in individuals affected with MAGEL2-related conditions. Experimental studies and prediction algorithms are not available or were not evaluated, and the functional significance of this variant is currently unknown. In summary, the available evidence is currently insufficient to determine the role of this variant in disease. Therefore, it has been classified as a Variant of Uncertain Significance.